The following is an entry in ClinVar:

ClinVar aggregate classification (germline): Conflicting classifications of pathogenicity. Review status: criteria provided, conflicting classifications (1 of 4 stars). 2 submissions from 2 submitters: Likely pathogenic (1); Uncertain significance (1). Last evaluated 2025-04-30.

Conditions:
Inborn genetic diseases. Identifiers: MedGen C0950123, MeSH D030342.

Submissions (2):

Ambry Genetics
Classification: Likely pathogenic for Inborn genetic diseases. Last evaluated: 2025-04-30. Review status: criteria provided, single submitter. Criteria: Ambry Variant Classification Scheme 2023. Collection method: clinical testing. Allele origin: germline.
Comment: The c.265T>A (p.C89S) alteration is located in exon 2 (coding exon 2) of the EFNB1 gene. This alteration results from a T to A substitution at nucleotide position 265, causing the cysteine (C) at amino acid position 89 to be replaced by a serine (S). This variant was not reported in population-based cohorts in the Genome Aggregation Database (gnomAD). Other variants at the same codon, c.265T>C (p.C89R) and c.266G>A (p.C89Y), have been identified in individuals with features consistent with craniofrontonasal dysplasia (Twigg, 2006; van den Elzen, 2014). This amino acid position is highly conserved in available vertebrate species. This alteration is predicted to be deleterious by in silico analysis. Based on the available evidence, this alteration is classified as likely pathogenic.

Labcorp Genetics (formerly Invitae), Labcorp
Classification: Uncertain significance. Last evaluated: 2024-08-05. Review status: criteria provided, single submitter. Criteria: Invitae Variant Classification Sherloc (09022015). Collection method: clinical testing. Allele origin: germline.
Comment: This sequence change replaces cysteine, which is neutral and slightly polar, with serine, which is neutral and polar, at codon 89 of the EFNB1 protein (p.Cys89Ser). This variant is not present in population databases (gnomAD no frequency). This variant has not been reported in the literature in individuals affected with EFNB1-related conditions. ClinVar contains an entry for this variant (Variation ID: 1999668). Advanced modeling of protein sequence and biophysical properties (such as structural, functional, and spatial information, amino acid conservation, physicochemical variation, residue mobility, and thermodynamic stability) performed at Invitae indicates that this missense variant is expected to disrupt EFNB1 protein function with a positive predictive value of 80%. This variant disrupts the p.Cys89 amino acid residue in EFNB1. Other variant(s) that disrupt this residue have been observed in individuals with EFNB1-related conditions (PMID: 16685650), which suggests that this may be a clinically significant amino acid residue. In summary, the available evidence is currently insufficient to determine the role of this variant in disease. Therefore, it has been classified as a Variant of Uncertain Significance.

Literature cited by the submitters: PubMed 16685650 (cited by Ambry Genetics and Labcorp Genetics (formerly Invitae), Labcorp); PubMed 24281372 (cited by Ambry Genetics).

NM_004429.5(EFNB1):c.265T>A (p.Cys89Ser)

Gene: EFNB1 (ephrin B1; plus strand). Cytogenetic location: Xq13.1.
Variant type: single nucleotide variant.
Coding change: c.265T>A on transcript NM_004429.5 (MANE Select); coding-DNA position 265, T replaced by A.
Protein change: p.Cys89Ser; replaces cysteine 89 with serine.
Molecular consequence: missense variant.
Genome position (GRCh38, 1-based): chrX:68,838,753, T>A. VCF-style: chrX-68838753-T-A. GRCh37 (hg19) VCF-style: chrX-68058596-T-A.
Other names: c.265T>A (NM_004429.4); short protein forms C89S.
Identifiers: ClinVar variation 1999668 (VCV001999668.6), dbSNP rs2519538222, ClinGen allele CA413437545.
Genomic context (GRCh38, chrX:68,838,753, plus strand): 5'-GCAGGGCGGCCCTATGAGTACTACAAGCTGTACCTGGTGCGGCCTGAGCAGGCAGCTGCC[T>A]GTAGCACAGTTCTCGACCCCAACGTGTTGGTCACCTGCAATAGGCCAGAGCAGGAAATAC-3'
Protein context (NP_004420.1, residues 79-99): YLVRPEQAAA[Cys89Ser]STVLDPNVLV